The following is an entry in ClinVar:

NM_152296.5(ATP1A3):c.659A>C (p.Asp220Ala)

Gene: ATP1A3 (ATPase Na+/K+ transporting subunit alpha 3; minus strand). Cytogenetic location: 19q13.2.
Variant type: single nucleotide variant.
Coding change: c.659A>C on transcript NM_152296.5 (MANE Select); coding-DNA position 659, A replaced by C.
Protein change: p.Asp220Ala; replaces aspartic acid 220 with alanine.
Molecular consequence: missense variant.
Genome position (GRCh38, 1-based): chr19:41,985,371, T>G on the plus strand (A>C on the coding strand, the complement: ATP1A3 is on the minus strand). VCF-style: chr19-41985371-T-G. GRCh37 (hg19) VCF-style: chr19-42489523-T-G.
Other names: c.692A>C, p.Asp231Ala (NM_001256213.2); c.698A>C, p.Asp233Ala (NM_001256214.2); short protein forms D220A, D231A, D233A.
Identifiers: ClinVar variation 1198942 (VCV001198942.2), dbSNP rs2145978691, ClinGen allele CA406054088.

ClinVar aggregate classification (germline): Uncertain significance (1 of 4 stars; one submission).

Submission:

GeneDx
Classification: Uncertain significance. Last evaluated: 2019-06-07. Review status: criteria provided, single submitter. Criteria: GeneDx Variant Classification Process June 2021. Collection method: clinical testing. Allele origin: germline. Affected: yes.
Comment: Not observed in large population cohorts (Lek et al., 2016); In silico analysis, which includes protein predictors and evolutionary conservation, supports a deleterious effect; Has not been previously published as pathogenic or benign to our knowledge